The following is an entry in ClinVar:

NM_001353214.3(DYM):c.1412C>T (p.Ser471Leu)

Gene: DYM (dymeclin; minus strand). Cytogenetic location: 18q21.1.
Variant type: single nucleotide variant.
Coding change: c.1412C>T on transcript NM_001353214.3 (MANE Select); coding-DNA position 1412, C replaced by T.
Protein change: p.Ser471Leu; replaces serine 471 with leucine.
Molecular consequence: missense variant.
Genome position (GRCh38, 1-based): chr18:49,257,058, G>A on the plus strand (C>T on the coding strand, the complement: DYM is on the minus strand). VCF-style: chr18-49257058-G-A. GRCh37 (hg19) VCF-style: chr18-46783428-G-A.
Other names: c.1409C>T, p.Ser470Leu (NM_001353210.3, NM_001353211.3, NM_001353212.3 and 3 more transcripts); c.1412C>T, p.Ser471Leu (NM_001353215.3, NM_001353216.3, NM_001374428.1 and 5 more transcripts); c.1406C>T, p.Ser469Leu (NM_001374429.1, NM_001374439.1); c.1286C>T, p.Ser429Leu (NM_001374432.1, NM_001374436.1); c.1229C>T, p.Ser410Leu (NM_001374437.1); c.1184C>T, p.Ser395Leu (NM_001374440.1); c.842C>T, p.Ser281Leu (NM_001374441.1, NM_001374442.1, NM_001374444.1); c.839C>T, p.Ser280Leu (NM_001374443.1); short protein forms S469L, S471L, S280L, S281L, S410L, S429L, S395L, S470L.
Identifiers: ClinVar variation 1940745 (VCV001940745.3), dbSNP rs780213256, ClinGen allele CA8958093.
Genomic context (GRCh38, chr18:49,257,058, plus strand): 5'-GTTCATATTTACCTGATGATCCTCTGGGCAGCATACTGATGGAGAGAACGAAACTGTGCC[G>A]ACATATTTGCTAAAGCTGCCAAACAATTTGTGTGAAGGTACTTGTCCTGTGAGGAAACAG-3'
Protein context (NP_001340143.1, residues 461-481): TNCLAALANM[Ser471Leu]AQFRSLHQYA

ClinVar aggregate classification (germline): Uncertain significance. Review status: criteria provided, multiple submitters, no conflicts (2 of 4 stars). 2 submissions from 2 submitters: Uncertain significance (2). Last evaluated 2022-08-01.

Conditions:
Inborn genetic diseases. Identifiers: MedGen C0950123, MeSH D030342.

Allele frequency attached by ClinVar (database versions not stated): gnomAD 0.00001; gnomAD exomes 0.00001; TOPMed 0.00001; ExAC 0.00004.
gnomAD v4.1: 15 of 1,613,810 alleles (0.00093%); highest among the groups gnomAD compares: Admixed American, 0.013%; no homozygotes.

Submissions (2):

Labcorp Genetics (formerly Invitae), Labcorp
Classification: Uncertain significance. Last evaluated: 2022-08-01. Review status: criteria provided, single submitter. Criteria: Invitae Variant Classification Sherloc (09022015). Collection method: clinical testing. Allele origin: germline.
Comment: This sequence change replaces serine, which is neutral and polar, with leucine, which is neutral and non-polar, at codon 471 of the DYM protein (p.Ser471Leu). This variant is present in population databases (rs780213256, gnomAD 0.02%). This variant has not been reported in the literature in individuals affected with DYM-related conditions. Algorithms developed to predict the effect of missense changes on protein structure and function (SIFT, PolyPhen-2, Align-GVGD) all suggest that this variant is likely to be disruptive. In summary, the available evidence is currently insufficient to determine the role of this variant in disease. Therefore, it has been classified as a Variant of Uncertain Significance.

Ambry Genetics
Classification: Uncertain significance for Inborn genetic diseases. Last evaluated: 2021-08-23. Review status: criteria provided, single submitter. Criteria: Ambry Variant Classification Scheme 2023. Collection method: clinical testing. Allele origin: germline.